The following is an entry in ClinVar:

ClinVar aggregate classification (germline): Uncertain significance (1 of 4 stars; one submission).

Submission:

Labcorp Genetics (formerly Invitae), Labcorp
Classification: Uncertain significance. Last evaluated: 2025-12-16. Review status: criteria provided, single submitter. Criteria: Invitae Variant Classification Sherloc (09022015). Collection method: clinical testing. Allele origin: germline.
Comment: This sequence change replaces alanine, which is neutral and non-polar, with serine, which is neutral and polar, at codon 560 of the PACS2 protein (p.Ala560Ser). This variant is not present in population databases (gnomAD no frequency). This variant has not been reported in the literature in individuals affected with PACS2-related conditions. Invitae Evidence Modeling of protein sequence and biophysical properties (such as structural, functional, and spatial information, amino acid conservation, physicochemical variation, residue mobility, and thermodynamic stability) indicates that this missense variant is not expected to disrupt PACS2 protein function with a negative predictive value of 80%. In summary, the available evidence is currently insufficient to determine the role of this variant in disease. Therefore, it has been classified as a Variant of Uncertain Significance.

NM_001100913.3(PACS2):c.1678G>T (p.Ala560Ser)

Gene: PACS2 (phosphofurin acidic cluster sorting protein 2; plus strand). Cytogenetic location: 14q32.33.
Variant type: single nucleotide variant.
Coding change: c.1678G>T on transcript NM_001100913.3 (MANE Select); coding-DNA position 1678, G replaced by T.
Protein change: p.Ala560Ser; replaces alanine 560 with serine.
Molecular consequence: missense variant.
Genome position (GRCh38, 1-based): chr14:105,383,411, G>T. VCF-style: chr14-105383411-G-T. GRCh37 (hg19) VCF-style: chr14-105849748-G-T.
Other names: c.1441G>T, p.Ala481Ser (NM_001243127.3); c.1666G>T, p.Ala556Ser (NM_015197.4); short protein forms A481S, A560S, A556S.
Identifiers: ClinVar variation 4743941 (VCV004743941.1).